The following is an entry in ClinVar:

NM_000883.4(IMPDH1):c.227T>G (p.Val76Gly)

Gene: IMPDH1 (inosine monophosphate dehydrogenase 1; minus strand). Cytogenetic location: 7q32.1.
Variant type: single nucleotide variant.
Coding change: c.227T>G on transcript NM_000883.4 (MANE Select); coding-DNA position 227, T replaced by G.
Protein change: p.Val76Gly; replaces valine 76 with glycine.
Molecular consequence: missense variant. On other transcripts: intron variant (2).
Genome position (GRCh38, 1-based): chr7:128,409,316, A>C on the plus strand (T>G on the coding strand, the complement: IMPDH1 is on the minus strand). VCF-style: chr7-128409316-A-C. GRCh37 (hg19) VCF-style: chr7-128049370-A-C.
Other names: c.197T>G, p.Val66Gly (NM_001102605.2); c.227T>G, p.Val76Gly (NM_001142576.2); c.146+440T>G (NM_001304521.2, NM_183243.3); short protein forms V76G, V66G.
Identifiers: ClinVar variation 1377889 (VCV001377889.6), dbSNP rs2116748572, ClinGen allele CA369180732.
Genomic context (GRCh38, chr7:128,409,316, plus strand): 5'-CAGTGCATGGTGAGGAGGGGAGAGTGTCCTCACCTAGCCCTGCGAAGGCGATCCATCTGG[A>C]CACCAACACCTGCCAGTAAGACCACTGAAGATAGTTCTAGGAGGAAACAGCTAAGGAGGG-3'
Protein context (NP_000874.2, residues 66-86): SSVVLLAGVG[Val76Gly]QMDRLRRASM

ClinVar aggregate classification (germline): Uncertain significance (1 of 4 stars; one submission).

Submission:

Labcorp Genetics (formerly Invitae), Labcorp
Classification: Uncertain significance. Last evaluated: 2021-08-27. Review status: criteria provided, single submitter. Criteria: Invitae Variant Classification Sherloc (09022015). Collection method: clinical testing. Allele origin: germline.
Comment: In summary, the available evidence is currently insufficient to determine the role of this variant in disease. Therefore, it has been classified as a Variant of Uncertain Significance. Algorithms developed to predict the effect of missense changes on protein structure and function (SIFT, PolyPhen-2, Align-GVGD) all suggest that this variant is likely to be tolerated. This variant has not been reported in the literature in individuals affected with IMPDH1-related conditions. This variant is not present in population databases (ExAC no frequency). This sequence change replaces valine with glycine at codon 76 of the IMPDH1 protein (p.Val76Gly). The valine residue is weakly conserved and there is a moderate physicochemical difference between valine and glycine.